The following is an entry in ClinVar:

NM_000083.3(CLCN1):c.434-1G>A

Gene: CLCN1 (chloride voltage-gated channel 1; plus strand). Cytogenetic location: 7q34.
Variant type: single nucleotide variant.
Coding change: c.434-1G>A on transcript NM_000083.3 (MANE Select); the canonical splice acceptor site of the intron before coding-DNA position 434, G replaced by A.
Molecular consequence: splice acceptor variant.
Genome position (GRCh38, 1-based): chr7:143,321,364, G>A. VCF-style: chr7-143321364-G-A. GRCh37 (hg19) VCF-style: chr7-143018457-G-A.
Identifiers: ClinVar variation 2950589 (VCV002950589.3), dbSNP rs2487031771, ClinGen allele CA369683257.
Genomic context (GRCh38, chr7:143,321,364, plus strand): 5'-GGTGCCGTGGACACGGCTGCTCAGCCATGTTCTGCCTAACCCCAGGCATGTGTCTCCGCA[G>A]CCTACAAGTGGTCCTACGCGCAGATGCAGCCCAGCCTTCCTCTGCAGTTCCTGGTCTGGG-3'

ClinVar aggregate classification (germline): Likely pathogenic (1 of 4 stars; one submission).

Conditions:
Congenital myotonia, autosomal dominant form (THD). Also called: THOMSEN DISEASE; Myotonia congenita autosomal dominant. Identifiers: Orphanet 614, MedGen C2936781, MONDO:0008055, OMIM 160800.
Congenital myotonia, autosomal recessive form. Also called: BECKER DISEASE; Becker Generalized Myotonia; myotonia congenita, autosomal recessive. Identifiers: Orphanet 614, MedGen C0751360, MONDO:0009715, OMIM 255700.

Submission:

Labcorp Genetics (formerly Invitae), Labcorp
Classification: Likely pathogenic for Congenital myotonia, autosomal recessive form; Congenital myotonia, autosomal dominant form. Last evaluated: 2023-08-02. Review status: criteria provided, single submitter. Criteria: Invitae Variant Classification Sherloc (09022015). Collection method: clinical testing. Allele origin: germline.
Comment: This sequence change affects an acceptor splice site in intron 3 of the CLCN1 gene. It is expected to disrupt RNA splicing. Variants that disrupt the donor or acceptor splice site typically lead to a loss of protein function (PMID: 16199547), and loss-of-function variants in CLCN1 are known to be pathogenic (PMID: 17932099, 22094069, 23739125). This variant is not present in population databases (gnomAD no frequency). This variant has not been reported in the literature in individuals affected with CLCN1-related conditions. Algorithms developed to predict the effect of sequence changes on RNA splicing suggest that this variant may disrupt the consensus splice site. In summary, the currently available evidence indicates that the variant is pathogenic, but additional data are needed to prove that conclusively. Therefore, this variant has been classified as Likely Pathogenic.

Literature cited by the submitters: PubMed 16199547; PubMed 17932099; PubMed 22094069; PubMed 23739125.